The following is an entry in ClinVar:

ClinVar aggregate classification (germline): Uncertain significance (1 of 4 stars; one submission).

Submission:

GeneDx
Classification: Uncertain significance. Last evaluated: 2025-08-26. Review status: criteria provided, single submitter. Criteria: GeneDx Variant Classification Process June 2021. Collection method: clinical testing. Allele origin: germline.
Comment: Not observed at significant frequency in large population cohorts (gnomAD); In silico analysis supports that this missense variant has a deleterious effect on protein structure/function; Has not been previously published as pathogenic or benign to our knowledge

NM_015335.5(MED13L):c.6179G>C (p.Gly2060Ala)

Gene: MED13L (mediator complex subunit 13L; minus strand). Cytogenetic location: 12q24.21.
Variant type: single nucleotide variant.
Coding change: c.6179G>C on transcript NM_015335.5 (MANE Select); coding-DNA position 6179, G replaced by C.
Protein change: p.Gly2060Ala; replaces glycine 2060 with alanine.
Molecular consequence: missense variant.
Genome position (GRCh38, 1-based): chr12:115,968,986, C>G on the plus strand (G>C on the coding strand, the complement: MED13L is on the minus strand). VCF-style: chr12-115968986-C-G. GRCh37 (hg19) VCF-style: chr12-116406791-C-G.
Other names: short protein forms G2060A.
Identifiers: ClinVar variation 3375502 (VCV003375502.2).